The following is an entry in ClinVar:

ClinVar aggregate classification (germline): Likely pathogenic (1 of 4 stars; one submission).

Conditions:
Hereditary spastic paraplegia 11. Also called: SPASTIC PARAPLEGIA, AUTOSOMAL RECESSIVE, COMPLICATED, WITH THIN CORPUS CALLOSUM; SPASTIC PARAPLEGIA, AUTOSOMAL RECESSIVE, WITH MENTAL IMPAIRMENT AND THIN CORPUS CALLOSUM; Nakamura Osame syndrome; Autosomal recessive hereditary spastic paraplegia, mental impairment, and thin corpus callosum; Spastic paraplegia, mental retardation and thin corpus callosum; Spastic Paraplegia 11. Identifiers: Orphanet 2822, MedGen C1858479, MONDO:0011445, OMIM 604360.

Submission:

Labcorp Genetics (formerly Invitae), Labcorp
Classification: Likely pathogenic for Hereditary spastic paraplegia 11. Last evaluated: 2025-12-20. Review status: criteria provided, single submitter. Criteria: Invitae Variant Classification Sherloc (09022015). Collection method: clinical testing. Allele origin: germline.
Comment: This sequence change affects a splice site in intron 21 of the SPG11 gene. It is expected to disrupt RNA splicing. Variants that disrupt the donor or acceptor splice site typically lead to a loss of protein function (PMID: 16199547), and loss-of-function variants in SPG11 are known to be pathogenic (PMID: 19105190, 20110243, 22154821, 26556829). This variant is present in population databases (no rsID available, gnomAD 0.0009%). Disruption of this splice site has been observed in individual(s) with hereditary spastic paraplegia (internal data). Algorithms developed to predict the effect of sequence changes on RNA splicing suggest that this variant may disrupt the consensus splice site. In summary, the currently available evidence indicates that the variant is pathogenic, but additional data are needed to prove that conclusively. Therefore, this variant has been classified as Likely Pathogenic.

Literature cited by the submitters: PubMed 16199547; PubMed 19105190; PubMed 20110243; PubMed 22154821; PubMed 26556829.

NM_025137.4(SPG11):c.3686+2_3686+3del

Gene: SPG11 (SPG11 vesicle trafficking associated, spatacsin; minus strand). Cytogenetic location: 15q21.1.
Variant type: Microsatellite.
Coding change: c.3686+2_3686+3del on transcript NM_025137.4 (MANE Select); the canonical splice donor site of the intron after coding-DNA position 3686 through 3 bases into the intron after coding-DNA position 3686, 2 bases deleted (TG; older notation c.3686+2_3686+3delTG).
Molecular consequence: splice donor variant.
Genome position (GRCh38, 1-based): chr15:44,600,464-44,600,465, CA deleted on the plus strand (TG on the coding strand, the reverse complement: SPG11 is on the minus strand); deleting any 2 consecutive bases within chr15:44,600,464-44,600,467 gives the same sequence; the c. name uses the placement nearest the transcript's 3' end. VCF-style (leftmost placement, unchanged base first): chr15-44600463-TCA-T. GRCh37 (hg19) VCF-style: chr15-44892661-TCA-T.
Other names: c.3686+2_3686+3del (NM_001160227.2).
Identifiers: ClinVar variation 1067183 (VCV001067183.9), dbSNP rs1268481547, ClinGen allele CA617678916.